The following is an entry in ClinVar:

ClinVar aggregate classification (germline): Uncertain significance. Review status: criteria provided, multiple submitters, no conflicts (2 of 4 stars). 2 submissions from 2 submitters: Uncertain significance (2). Last evaluated 2024-09-11.

Allele frequency attached by ClinVar (database versions not stated): gnomAD exomes below 0.00001.
gnomAD v4.1: 1 of 1,614,100 alleles (0.000062%); highest among the groups gnomAD compares: Non-Finnish European, 0.000085%; no homozygotes.

Submissions (2):

GeneDx
Classification: Uncertain significance. Last evaluated: 2024-09-11. Review status: criteria provided, single submitter. Criteria: GeneDx Variant Classification Process June 2021. Collection method: clinical testing. Allele origin: germline. Affected: yes.
Comment: Not observed at significant frequency in large population cohorts (gnomAD); In silico analysis supports that this missense variant has a deleterious effect on protein structure/function; Has not been previously published as pathogenic or benign to our knowledge

Labcorp Genetics (formerly Invitae), Labcorp
Classification: Uncertain significance. Last evaluated: 2022-12-29. Review status: criteria provided, single submitter. Criteria: Invitae Variant Classification Sherloc (09022015). Collection method: clinical testing. Allele origin: germline.
Comment: In summary, the available evidence is currently insufficient to determine the role of this variant in disease. Therefore, it has been classified as a Variant of Uncertain Significance. Algorithms developed to predict the effect of sequence changes on RNA splicing suggest that this variant may disrupt the consensus splice site. Advanced modeling of protein sequence and biophysical properties (such as structural, functional, and spatial information, amino acid conservation, physicochemical variation, residue mobility, and thermodynamic stability) performed at Invitae indicates that this missense variant is not expected to disrupt PRPF8 protein function. This variant has not been reported in the literature in individuals affected with PRPF8-related conditions. This variant is not present in population databases (gnomAD no frequency). This sequence change replaces asparagine, which is neutral and polar, with serine, which is neutral and polar, at codon 1881 of the PRPF8 protein (p.Asn1881Ser).

NM_006445.4(PRPF8):c.5642A>G (p.Asn1881Ser)

Gene: PRPF8 (pre-mRNA processing factor 8; minus strand). Cytogenetic location: 17p13.3.
Variant type: single nucleotide variant.
Coding change: c.5642A>G on transcript NM_006445.4 (MANE Select); coding-DNA position 5642, A replaced by G.
Protein change: p.Asn1881Ser; replaces asparagine 1881 with serine.
Molecular consequence: missense variant.
Genome position (GRCh38, 1-based): chr17:1,656,543, T>C on the plus strand (A>G on the coding strand, the complement: PRPF8 is on the minus strand). VCF-style: chr17-1656543-T-C. GRCh37 (hg19) VCF-style: chr17-1559837-T-C.
Other names: c.5642A>G (NM_006445.3); short protein forms N1881S.
Identifiers: ClinVar variation 2805531 (VCV002805531.4), dbSNP rs867114986, ClinGen allele CA286856831.